The following is an entry in ClinVar:

ClinVar aggregate classification (germline): Uncertain significance (1 of 4 stars; one submission).

Conditions:
Spermatogenic failure 18. Identifiers: MedGen C4539783, MONDO:0054615, OMIM 617576.
Ciliary dyskinesia, primary, 37 (CILD37). Also called: CILIARY DYSKINESIA, PRIMARY, 37, WITH OR WITHOUT SITUS INVERSUS. Identifiers: MedGen C4539798, MONDO:0033204, OMIM 617577.

Allele frequency attached by ClinVar (database versions not stated): gnomAD exomes below 0.00001.

Submission:

Labcorp Genetics (formerly Invitae), Labcorp
Classification: Uncertain significance for Ciliary dyskinesia, primary, 37; Spermatogenic failure 18. Last evaluated: 2021-04-02. Review status: criteria provided, single submitter. Criteria: Invitae Variant Classification Sherloc (09022015). Collection method: clinical testing. Allele origin: germline.
Comment: In summary, the available evidence is currently insufficient to determine the role of this variant in disease. Therefore, it has been classified as a Variant of Uncertain Significance. Algorithms developed to predict the effect of missense changes on protein structure and function are either unavailable or do not agree on the potential impact of this missense change (SIFT: "Deleterious"; PolyPhen-2: "Possibly Damaging"; Align-GVGD: "Class C0"). This variant has not been reported in the literature in individuals with DNAH1-related conditions. This variant is not present in population databases (ExAC no frequency). This sequence change replaces alanine with valine at codon 2940 of the DNAH1 protein (p.Ala2940Val). The alanine residue is highly conserved and there is a small physicochemical difference between alanine and valine.

NM_015512.5(DNAH1):c.8819C>T (p.Ala2940Val)

Gene: DNAH1 (dynein axonemal heavy chain 1; plus strand). Cytogenetic location: 3p21.1.
Variant type: single nucleotide variant.
Coding change: c.8819C>T on transcript NM_015512.5 (MANE Select); coding-DNA position 8819, C replaced by T.
Protein change: p.Ala2940Val; replaces alanine 2940 with valine.
Molecular consequence: missense variant.
Genome position (GRCh38, 1-based): chr3:52,386,669, C>T. VCF-style: chr3-52386669-C-T. GRCh37 (hg19) VCF-style: chr3-52420685-C-T.
Other names: short protein forms A2940V.
Identifiers: ClinVar variation 1488543 (VCV001488543.8), dbSNP rs1402907319, ClinGen allele CA353191933.
Genomic context (GRCh38, chr3:52,386,669, plus strand): 5'-CGAGGGGTGCCCACTGGGTCTGAGTCTTCCCCACTTGGTGGCTGGGCCTGCAGGTACGTG[C>T]CATGCAGCGGCCACCCCCGGGTGTGAAACTGGTCATAGAAGCTGTGTGCATTATGAAAGG-3'
Protein context (NP_056327.4, residues 2930-2950): LNKNDVTEVR[Ala2940Val]MQRPPPGVKL